The following is an entry in ClinVar:

ClinVar aggregate classification (germline): Uncertain significance (1 of 4 stars; one submission).

Submission:

Ambry Genetics
Classification: Uncertain significance. Last evaluated: 2023-04-22. Review status: criteria provided, single submitter. Criteria: Ambry Variant Classification Scheme 2023. Collection method: clinical testing. Allele origin: germline.
Comment: The p.E151G variant (also known as c.452A>G), located in coding exon 5 of the PRKDC gene, results from an A to G substitution at nucleotide position 452. The glutamic acid at codon 151 is replaced by glycine, an amino acid with similar properties. This amino acid position is conserved. In addition, this alteration is predicted to be tolerated by in silico analysis. Since supporting evidence is limited at this time, the clinical significance of this alteration remains unclear.

NM_006904.7(PRKDC):c.452A>G (p.Glu151Gly)

Gene: PRKDC (protein kinase, DNA-activated, catalytic subunit; minus strand). Cytogenetic location: 8q11.21.
Variant type: single nucleotide variant.
Coding change: c.452A>G on transcript NM_006904.7 (MANE Select); coding-DNA position 452, A replaced by G.
Protein change: p.Glu151Gly; replaces glutamic acid 151 with glycine.
Molecular consequence: missense variant.
Genome position (GRCh38, 1-based): chr8:47,954,394, T>C on the plus strand (A>G on the coding strand, the complement: PRKDC is on the minus strand). VCF-style: chr8-47954394-T-C. GRCh37 (hg19) VCF-style: chr8-48866954-T-C.
Other names: c.452A>G, p.Glu151Gly (NM_001081640.2); short protein forms E151G.
Identifiers: ClinVar variation 2564528 (VCV002564528.2), dbSNP rs2551881914, ClinGen allele CA371139122.
Genomic context (GRCh38, chr8:47,954,394, plus strand): 5'-TCACCTGTATCTGGTATTTTTTTTTTCAATGCAAGTTCTCCATAGAATTTACTAAATAAT[T>C]CTCCAATTTTAAATTCATCCATGAGTCTAGAACTTCTAAAAGTCTGAAGTAACTAAAAGA-3'
Protein context (NP_008835.5, residues 141-161): SRLMDEFKIG[Glu151Gly]LFSKFYGELA